The following is an entry in ClinVar:

ClinVar aggregate classification (germline): Uncertain significance (1 of 4 stars; one submission).

Conditions:
Cardiomyopathy (CMYO). Also called: Cardiomyopathies. Identifiers: Orphanet 167848, MedGen C0878544, MONDO:0004994, HP:0001638. Inheritance: Various modes of inheritance.

Submission:

Color Diagnostics, LLC DBA Color Health
Classification: Uncertain significance for Cardiomyopathy. Last evaluated: 2023-12-05. Review status: criteria provided, single submitter. Criteria: ACMG Guidelines, 2015. Collection method: clinical testing. Allele origin: germline.
Comment: Variant of Uncertain Significance due to insufficient evidence: This missense variant is located in the extracellular cadherin domain 3 of the DSG2 protein. Computational prediction tools and conservation analyses suggest that this variant may not impact the protein function. Computational splicing tools suggest that this variant may not impact RNA splicing. To our knowledge, functional assays have not been performed for this variant nor has this variant been reported in individuals affected with cardiovascular disorders in the literature. This variant is rare in the general population and has been identified in 0/277264 chromosomes by the Genome Aggregation Database (gnomAD). Available evidence is insufficient to determine the pathogenicity of this variant conclusively.

NM_001943.5(DSG2):c.1042C>A (p.Leu348Ile)

Gene: DSG2 (desmoglein 2; plus strand). Cytogenetic location: 18q12.1.
Variant type: single nucleotide variant.
Coding change: c.1042C>A on transcript NM_001943.5 (MANE Select); coding-DNA position 1042, C replaced by A.
Protein change: p.Leu348Ile; replaces leucine 348 with isoleucine.
Molecular consequence: missense variant.
Genome position (GRCh38, 1-based): chr18:31,531,014, C>A. VCF-style: chr18-31531014-C-A. GRCh37 (hg19) VCF-style: chr18-29110977-C-A.
Other names: short protein forms L348I.
Identifiers: ClinVar variation 920571 (VCV000920571.5), dbSNP rs1173281259, ClinGen allele CA402138069.